The following is an entry in ClinVar:

ClinVar aggregate classification (germline): Uncertain significance (1 of 4 stars; one submission).

Conditions:
Fanconi anemia (FA). Also called: Fanconi's anemia. Identifiers: Orphanet 84, MedGen C0015625, MeSH D005199, MONDO:0019391.

Allele frequency attached by ClinVar (database versions not stated): gnomAD 0.00001.
gnomAD v4.1: 3 of 1,613,976 alleles (0.00019%); highest among the groups gnomAD compares: Non-Finnish European, 0.00025%; no homozygotes.

Submissions (2):

Labcorp Genetics (formerly Invitae), Labcorp
Classification: Uncertain significance for Fanconi anemia. Last evaluated: 2025-06-03. Review status: criteria provided, single submitter. Criteria: Invitae Variant Classification Sherloc (09022015). Collection method: clinical testing. Allele origin: germline.
Comment: This sequence change replaces glutamic acid, which is acidic and polar, with lysine, which is basic and polar, at codon 1147 of the FANCI protein (p.Glu1147Lys). This variant is not present in population databases (gnomAD no frequency). This variant has not been reported in the literature in individuals affected with FANCI-related conditions. ClinVar contains an entry for this variant (Variation ID: 1475824). Invitae Evidence Modeling of protein sequence and biophysical properties (such as structural, functional, and spatial information, amino acid conservation, physicochemical variation, residue mobility, and thermodynamic stability) indicates that this missense variant is expected to disrupt FANCI protein function with a positive predictive value of 80%. In summary, the available evidence is currently insufficient to determine the role of this variant in disease. Therefore, it has been classified as a Variant of Uncertain Significance.

Dr. Peter K. Rogan Lab, Western University
No classification provided (evidence only). Condition: Gastric cancer. Review status: no classification provided. Collection method: in vitro. Allele origin: not applicable. Functional consequence: skipped exon, retained intron. Not counted in ClinVar's aggregate classification.

NM_001113378.2(FANCI):c.3439G>A (p.Glu1147Lys)

Gene: FANCI (FA complementation group I; plus strand). Cytogenetic location: 15q26.1.
Variant type: single nucleotide variant.
Coding change: c.3439G>A on transcript NM_001113378.2 (MANE Select); coding-DNA position 3439, G replaced by A.
Protein change: p.Glu1147Lys; replaces glutamic acid 1147 with lysine.
Molecular consequence: missense variant.
Genome position (GRCh38, 1-based): chr15:89,306,096, G>A. VCF-style: chr15-89306096-G-A. GRCh37 (hg19) VCF-style: chr15-89849327-G-A.
Other names: c.3160G>A, p.Glu1054Lys (NM_001376910.1); c.3439G>A, p.Glu1147Lys (NM_001376911.1); c.3259G>A, p.Glu1087Lys (NM_018193.3); short protein forms E1147K, E1087K, E1054K.
Identifiers: ClinVar variation 1475824 (VCV001475824.9), dbSNP rs947003968, ClinGen allele CA393740529.
Genomic context (GRCh38, chr15:89,306,096, plus strand): 5'-AATCAGCCTGTTGAGAAAGCTATCATCATGCAACTGGGAACTCTGCTTACATTTTTCCAC[G>A]AGCTGGTGCAGACAGCTCTGCCATCAGGCAGCTGTGTGGACACCTTGTTAAAGGACTTGT-3'
Protein context (NP_001106849.1, residues 1137-1157): QLGTLLTFFH[Glu1147Lys]LVQTALPSGS